The following is an entry in ClinVar:

NM_198253.3(TERT):c.2020G>T (p.Gly674Cys)

Gene: TERT (telomerase reverse transcriptase; minus strand). Cytogenetic location: 5p15.33.
Variant type: single nucleotide variant.
Coding change: c.2020G>T on transcript NM_198253.3 (MANE Select); coding-DNA position 2020, G replaced by T.
Protein change: p.Gly674Cys; replaces glycine 674 with cysteine.
Molecular consequence: missense variant. On other transcripts: non-coding transcript variant (2).
Genome position (GRCh38, 1-based): chr5:1,279,401, C>A on the plus strand (G>T on the coding strand, the complement: TERT is on the minus strand). VCF-style: chr5-1279401-C-A. GRCh37 (hg19) VCF-style: chr5-1279516-C-A.
Other names: c.2020G>T, p.Gly674Cys (NM_001193376.3); short protein forms G674C.
Identifiers: ClinVar variation 1474198 (VCV001474198.10), dbSNP rs773813809, ClinGen allele CA359080371.

ClinVar aggregate classification (germline): Uncertain significance. Review status: criteria provided, multiple submitters, no conflicts (2 of 4 stars). 2 submissions from 2 submitters: Uncertain significance (2). Last evaluated 2022-10-11.

Conditions:
Dyskeratosis congenita, autosomal dominant 2. Identifiers: MedGen C3151443, MONDO:0013521, OMIM 613989.
Idiopathic Pulmonary Fibrosis. Also called: Idiopathic fibrosing alveolitis, chronic form; idiopathic fibrosing alveolitis. Identifiers: Orphanet 2032, MedGen C1800706, MeSH D054990, MONDO:0800504.
Dyskeratosis congenita. Identifiers: Orphanet 1775, MedGen C0265965, MONDO:0015780.

gnomAD v4.1: 1 of 1,530,906 alleles (0.000065%); highest among the groups gnomAD compares: Non-Finnish European, 0.000088%; no homozygotes.

Submissions (2):

Ambry Genetics
Classification: Uncertain significance for Dyskeratosis congenita. Last evaluated: 2022-10-11. Review status: criteria provided, single submitter. Criteria: Ambry Variant Classification Scheme 2023. Collection method: clinical testing. Allele origin: germline.
Comment: The p.G674C variant (also known as c.2020G>T), located in coding exon 5 of the TERT gene, results from a G to T substitution at nucleotide position 2020. The glycine at codon 674 is replaced by cysteine, an amino acid with highly dissimilar properties. This amino acid position is conserved. In addition, the in silico prediction for this alteration is inconclusive. Since supporting evidence is limited at this time, the clinical significance of this alteration remains unclear.

Labcorp Genetics (formerly Invitae), Labcorp
Classification: Uncertain significance for Dyskeratosis congenita, autosomal dominant 2; Idiopathic Pulmonary Fibrosis. Last evaluated: 2022-09-09. Review status: criteria provided, single submitter. Criteria: Invitae Variant Classification Sherloc (09022015). Collection method: clinical testing. Allele origin: germline.
Comment: ClinVar contains an entry for this variant (Variation ID: 1474198). This sequence change replaces glycine, which is neutral and non-polar, with cysteine, which is neutral and slightly polar, at codon 674 of the TERT protein (p.Gly674Cys). This variant is not present in population databases (gnomAD no frequency). This variant has not been reported in the literature in individuals affected with TERT-related conditions. Advanced modeling of protein sequence and biophysical properties (such as structural, functional, and spatial information, amino acid conservation, physicochemical variation, residue mobility, and thermodynamic stability) performed at Invitae indicates that this missense variant is expected to disrupt TERT protein function. In summary, the available evidence is currently insufficient to determine the role of this variant in disease. Therefore, it has been classified as a Variant of Uncertain Significance.